The following is an entry in ClinVar:

ClinVar aggregate classification (germline): Uncertain significance. Review status: criteria provided, multiple submitters, no conflicts (2 of 4 stars). 2 submissions from 2 submitters: Uncertain significance (2). Last evaluated 2025-01-21.

Conditions:
Nephronophthisis 14 (NPHP14). Identifiers: Orphanet 2318, MedGen C3539071, MONDO:0013916, OMIM 614844.

Allele frequency attached by ClinVar (database versions not stated): gnomAD exomes below 0.00001; TOPMed below 0.00001.
gnomAD v4.1: 2 of 1,614,236 alleles (0.00012%); highest among the groups gnomAD compares: Non-Finnish European, 0.00017%; no homozygotes.

Submissions (2):

Labcorp Genetics (formerly Invitae), Labcorp
Classification: Uncertain significance for Nephronophthisis 14. Last evaluated: 2025-01-21. Review status: criteria provided, single submitter. Criteria: Invitae Variant Classification Sherloc (09022015). Collection method: clinical testing. Allele origin: germline.
Comment: This sequence change replaces glutamic acid, which is acidic and polar, with glutamine, which is neutral and polar, at codon 29 of the ZNF423 protein (p.Glu29Gln). This variant is present in population databases (no rsID available, gnomAD 0.0009%). This variant has not been reported in the literature in individuals affected with ZNF423-related conditions. ClinVar contains an entry for this variant (Variation ID: 3195661). An algorithm developed to predict the effect of missense changes on protein structure and function (PolyPhen-2) suggests that this variant is likely to be tolerated. In summary, the available evidence is currently insufficient to determine the role of this variant in disease. Therefore, it has been classified as a Variant of Uncertain Significance.

Ambry Genetics
Classification: Uncertain significance. Last evaluated: 2024-01-22. Review status: criteria provided, single submitter. Criteria: Ambry Variant Classification Scheme 2023. Collection method: clinical testing. Allele origin: germline.

NM_001379286.1(ZNF423):c.109G>C (p.Glu37Gln)

Gene: ZNF423 (zinc finger protein 423; minus strand). Cytogenetic location: 16q12.1.
Variant type: single nucleotide variant.
Coding change: c.109G>C on transcript NM_001379286.1 (MANE Select); coding-DNA position 109, G replaced by C.
Protein change: p.Glu37Gln; replaces glutamic acid 37 with glutamine.
Molecular consequence: missense variant. On other transcripts: 5 prime UTR variant (1).
Genome position (GRCh38, 1-based): chr16:49,730,963, C>G on the plus strand (G>C on the coding strand, the complement: ZNF423 is on the minus strand). VCF-style: chr16-49730963-C-G. GRCh37 (hg19) VCF-style: chr16-49764874-C-G.
Other names: c.-96G>C (NM_001271620.2); c.85G>C, p.Glu29Gln (NM_015069.5); short protein forms E29Q, E37Q.
Identifiers: ClinVar variation 3195661 (VCV003195661.3), dbSNP rs1306818875, ClinGen allele CA396110591.